The following is an entry in ClinVar:

NM_005629.4(SLC6A8):c.844del (p.Leu282fs)

Gene: SLC6A8 (solute carrier family 6 member 8; plus strand). Cytogenetic location: Xq28.
Variant type: Deletion.
Coding change: c.844del on transcript NM_005629.4 (MANE Select); coding-DNA position 844, one base deleted (C; older notation c.844delC).
Protein change: p.Leu282fs; shifts the reading frame from leucine 282.
Molecular consequence: frameshift variant.
Genome position (GRCh38, 1-based): chrX:153,693,107, C deleted. VCF-style (leftmost placement, unchanged base first): chrX-153693106-GC-G. GRCh37 (hg19) VCF-style: chrX-152958561-GC-G.
Other names: c.844del, p.Leu282fs (NM_001142805.2); c.499del, p.Leu167fs (NM_001142806.1); short protein forms L167fs, L282fs.
Identifiers: ClinVar variation 1429550 (VCV001429550.6), dbSNP rs2148362786, ClinGen allele CA2573159476.

ClinVar aggregate classification (germline): Pathogenic (1 of 4 stars; one submission).

Conditions:
Creatine transporter deficiency (CCDS1). Also called: CEREBRAL CREATINE DEFICIENCY SYNDROME 1; Mental retardation , X-linked with seizures, short stature and midface hypoplasia; Mental retardation , X-linked, with creatine transport deficiency; X-linked creatine transporter deficiency; X-linked creatine deficiency syndrome; SLC6A8-Related Creatine Transporter Deficiency. Identifiers: Orphanet 52503, MedGen C1845862, MONDO:0010305, OMIM 300352.

Submission:

Labcorp Genetics (formerly Invitae), Labcorp
Classification: Pathogenic for Creatine transporter deficiency. Last evaluated: 2021-05-31. Review status: criteria provided, single submitter. Criteria: Invitae Variant Classification Sherloc (09022015). Collection method: clinical testing. Allele origin: germline.
Comment: This sequence change creates a premature translational stop signal (p.Leu282Cysfs*26) in the SLC6A8 gene. It is expected to result in an absent or disrupted protein product. Loss-of-function variants in SLC6A8 are known to be pathogenic (PMID: 22281021). This variant is not present in population databases (ExAC no frequency). This variant has not been reported in the literature in individuals with SLC6A8-related conditions. For these reasons, this variant has been classified as Pathogenic.

Literature cited by the submitters: PubMed 22281021.